The following is an entry in ClinVar:

NM_001288705.3(CSF1R):c.2666T>C (p.Met889Thr)

Gene: CSF1R (colony stimulating factor 1 receptor; minus strand). Cytogenetic location: 5q32.
Variant type: single nucleotide variant.
Coding change: c.2666T>C on transcript NM_001288705.3 (MANE Select); coding-DNA position 2666, T replaced by C.
Protein change: p.Met889Thr; replaces methionine 889 with threonine.
Molecular consequence: missense variant. On other transcripts: non-coding transcript variant (2).
Genome position (GRCh38, 1-based): chr5:150,054,419, A>G on the plus strand (T>C on the coding strand, the complement: CSF1R is on the minus strand). VCF-style: chr5-150054419-A-G. GRCh37 (hg19) VCF-style: chr5-149433982-A-G.
Other names: c.2222T>C, p.Met741Thr (NM_001375321.1); c.2666T>C, p.Met889Thr (NM_005211.4, NM_001349736.2, NM_001375320.1); short protein forms M741T, M889T.
Identifiers: ClinVar variation 3775415 (VCV003775415.1).

ClinVar aggregate classification (germline): Uncertain significance (1 of 4 stars; one submission).

Conditions:
Leukoencephalopathy, diffuse hereditary, with spheroids 1 (HDLS1). Also called: CSF1R-related adult-onset leukoencephalopathy with axonal spheroids and pigmented glia; DEMENTIA, FAMILIAL, NEUMANN TYPE; SUBCORTICAL GLIOSIS OF NEUMANN. Identifiers: Orphanet 313808, MedGen C5561929, MONDO:0800027, OMIM 221820.

gnomAD v4.1: 1 of 1,612,512 alleles (0.000062%); highest among the groups gnomAD compares: Non-Finnish European, 0.000085%; no homozygotes.

Submission:

3billion
Classification: Uncertain significance for Leukoencephalopathy, diffuse hereditary, with spheroids 1. Last evaluated: 2023-08-22. Review status: criteria provided, single submitter. Criteria: ACMG Guidelines, 2015. Collection method: clinical testing. Allele origin: germline. Affected: yes.
Comment: The variant is not observed in the gnomAD v2.1.1 dataset. Predicted Consequence/Location: Missense variant In silico tool predictions suggest damaging effect of the variant on gene or gene product [REVEL: 0.95 (>=0.6, sensitivity 0.68 and specificity 0.92); 3Cnet: 0.59 (>=0.6, sensitivity 0.72 and precision 0.9)]. Therefore, this variant is classified as VUS according to the recommendation of ACMG/AMP guideline.